The following is an entry in ClinVar:

ClinVar aggregate classification (germline): Uncertain significance (1 of 4 stars; one submission).

Conditions:
Peroxisome biogenesis disorder. Identifiers: Orphanet 79189, MedGen C1832200, MONDO:0019234. Disease mechanism: loss of function.

Allele frequency attached by ClinVar (database versions not stated): gnomAD 0.00001.
gnomAD v4.1: 3 of 1,611,932 alleles (0.00019%); highest among the groups gnomAD compares: African/African-American, 0.004%; no homozygotes.

Submission:

Labcorp Genetics (formerly Invitae), Labcorp
Classification: Uncertain significance for Peroxisome biogenesis disorder. Last evaluated: 2022-08-23. Review status: criteria provided, single submitter. Criteria: Invitae Variant Classification Sherloc (09022015). Collection method: clinical testing. Allele origin: germline.
Comment: This sequence change replaces glycine, which is neutral and non-polar, with arginine, which is basic and polar, at codon 629 of the PEX6 protein (p.Gly629Arg). This variant is present in population databases (rs753408034, gnomAD 0.007%). This variant has not been reported in the literature in individuals affected with PEX6-related conditions. ClinVar contains an entry for this variant (Variation ID: 1383391). Algorithms developed to predict the effect of missense changes on protein structure and function (SIFT, PolyPhen-2, Align-GVGD) all suggest that this variant is likely to be disruptive. Algorithms developed to predict the effect of sequence changes on RNA splicing suggest that this variant may disrupt the consensus splice site. In summary, the available evidence is currently insufficient to determine the role of this variant in disease. Therefore, it has been classified as a Variant of Uncertain Significance.

NM_000287.4(PEX6):c.1885G>C (p.Gly629Arg)

Gene: PEX6 (peroxisomal biogenesis factor 6; minus strand). Cytogenetic location: 6p21.1.
Variant type: single nucleotide variant.
Coding change: c.1885G>C on transcript NM_000287.4 (MANE Select); coding-DNA position 1885, G replaced by C.
Protein change: p.Gly629Arg; replaces glycine 629 with arginine.
Molecular consequence: missense variant. On other transcripts: non-coding transcript variant (1).
Genome position (GRCh38, 1-based): chr6:42,966,858, C>G on the plus strand (G>C on the coding strand, the complement: PEX6 is on the minus strand). VCF-style: chr6-42966858-C-G. GRCh37 (hg19) VCF-style: chr6-42934596-C-G.
Other names: c.1621G>C, p.Gly541Arg (NM_001316313.2); short protein forms G541R, G629R.
Identifiers: ClinVar variation 1383391 (VCV001383391.5), dbSNP rs753408034, ClinGen allele CA3811188.